The following is an entry in ClinVar:

ClinVar aggregate classification (germline): Pathogenic (1 of 4 stars; one submission).

Conditions:
Neurodevelopmental abnormality. Identifiers: MedGen C4022737, HP:0012759.

Submission:

Clinical Genetics Laboratory, Skane University Hospital Lund
Classification: Pathogenic for Neurodevelopmental abnormality. Last evaluated: 2024-06-13. Review status: criteria provided, single submitter. Criteria: ACMG Guidelines, 2015. Collection method: clinical testing. Allele origin: de novo. Inheritance: Autosomal dominant inheritance. Affected: yes.
Comment: PVS1, PS2, PM2

NM_001349338.3(FOXP1):c.1063-2A>G

Gene: FOXP1 (forkhead box P1; minus strand). Cytogenetic location: 3p13.
Variant type: single nucleotide variant.
Coding change: c.1063-2A>G on transcript NM_001349338.3 (MANE Select); the canonical splice acceptor site of the intron before coding-DNA position 1063, A replaced by G.
Molecular consequence: splice acceptor variant.
Genome position (GRCh38, 1-based): chr3:70,988,079, T>C on the plus strand (A>G on the coding strand, the complement: FOXP1 is on the minus strand). VCF-style: chr3-70988079-T-C. GRCh37 (hg19) VCF-style: chr3-71037230-T-C.
Other names: c.1063-2A>G (NM_001244810.2, NM_032682.6, NM_001349340.3 and 3 more transcripts); c.1060-2A>G (NM_001349341.3); c.835-2A>G (NM_001244812.3); c.760-2A>G (NM_001349343.3, NM_001349337.2, NM_001349344.3); c.763-2A>G (NM_001349342.3, NM_001370548.1, NM_001244815.2 and 1 more transcripts).
Identifiers: ClinVar variation 3767293 (VCV003767293.1).